The following is an entry in ClinVar:

ClinVar aggregate classification (germline): Pathogenic (1 of 4 stars; one submission).

Conditions:
Very long chain acyl-CoA dehydrogenase deficiency (ACADVLD). Also called: VLCAD Deficiency; Very Long-Chain Acyl-Coenzyme A Dehydrogenase Deficiency. Identifiers: Orphanet 26793, MedGen C3887523, MONDO:0008723, OMIM 201475.

Submission:

Myriad Genetics, Inc.
Classification: Pathogenic for Very long chain acyl-CoA dehydrogenase deficiency. Last evaluated: 2025-09-30. Review status: criteria provided, single submitter. Criteria: Myriad Autosomal Dominant, Autosomal Recessive and X-Linked Classification Criteria (2023). Collection method: clinical testing. Allele origin: unknown.
Comment: NM_000018.3(ACADVL):c.1765_1766delCT(L589Efs*2) is a frameshift variant classified as pathogenic in the context of very-long-chain acyl-CoA dehydrogenase deficiency. L589Efs*2 has not been observed in cases with relevant disease. Relevant functional assessments of this variant are not available in the literature. L589Efs*2 has not been observed in referenced population frequency databases. In summary, NM_000018.3(ACADVL):c.1765_1766delCT(L589Efs*2) is a frameshift variant in a gene where loss of function is a known mechanism of disease and is predicted to disrupt protein function. Please note: this variant was assessed in the context of healthy population screening.

NM_000018.4(ACADVL):c.1765_1766del (p.Leu589fs)

Gene: ACADVL (acyl-CoA dehydrogenase very long chain; plus strand). Cytogenetic location: 17p13.1.
Variant type: Deletion.
Coding change: c.1765_1766del on transcript NM_000018.4 (MANE Select); coding-DNA positions 1765 to 1766, 2 bases deleted (CT; older notation c.1765_1766delCT).
Protein change: p.Leu589fs; shifts the reading frame from leucine 589.
Molecular consequence: frameshift variant.
Genome position (GRCh38, 1-based): chr17:7,224,822-7,224,823, CT deleted. VCF-style (leftmost placement, unchanged base first): chr17-7224821-CCT-C. GRCh37 (hg19) VCF-style: chr17-7128140-CCT-C.
Other names: c.1699_1700del, p.Leu567fs (NM_001033859.3); c.1834_1835del, p.Leu612fs (NM_001270447.2); c.1537_1538del, p.Leu513fs (NM_001270448.2); short protein forms L612fs, L567fs, L513fs, L589fs.
Identifiers: ClinVar variation 5004193 (VCV005004193.1).